The following is an entry in ClinVar:

ClinVar aggregate classification (germline): Uncertain significance. Review status: criteria provided, multiple submitters, no conflicts (2 of 4 stars). 3 submissions from 3 submitters: Uncertain significance (3). Last evaluated 2024-01-04.

Allele frequency attached by ClinVar (database versions not stated): gnomAD exomes below 0.00001.
gnomAD v4.1: 1 of 1,614,074 alleles (0.000062%); highest among the groups gnomAD compares: Non-Finnish European, 0.000085%; no homozygotes.

Submissions (3):

Labcorp Genetics (formerly Invitae), Labcorp
Classification: Uncertain significance. Last evaluated: 2024-01-04. Review status: criteria provided, single submitter. Criteria: Invitae Variant Classification Sherloc (09022015). Collection method: clinical testing. Allele origin: germline.
Comment: This sequence change replaces arginine, which is basic and polar, with cysteine, which is neutral and slightly polar, at codon 161 of the TBX20 protein (p.Arg161Cys). This variant is not present in population databases (gnomAD no frequency). This variant has not been reported in the literature in individuals affected with TBX20-related conditions. ClinVar contains an entry for this variant (Variation ID: 1325972). Advanced modeling of protein sequence and biophysical properties (such as structural, functional, and spatial information, amino acid conservation, physicochemical variation, residue mobility, and thermodynamic stability) performed at Invitae indicates that this missense variant is expected to disrupt TBX20 protein function with a positive predictive value of 80%. In summary, the available evidence is currently insufficient to determine the role of this variant in disease. Therefore, it has been classified as a Variant of Uncertain Significance.

Blueprint Genetics
Classification: Uncertain significance. Last evaluated: 2023-12-29. Review status: criteria provided, single submitter. Criteria: ACMG Guidelines, 2015. Collection method: clinical testing. Allele origin: germline.

GeneDx
Classification: Uncertain significance. Last evaluated: 2022-05-04. Review status: criteria provided, single submitter. Criteria: GeneDx Variant Classification Process June 2021. Collection method: clinical testing. Allele origin: germline. Affected: yes.
Comment: Has not been previously published as pathogenic or benign to our knowledge; Not observed in large population cohorts (gnomAD); In silico analysis supports that this missense variant has a deleterious effect on protein structure/function

NM_001077653.2(TBX20):c.481C>T (p.Arg161Cys)

Gene: TBX20 (T-box transcription factor 20; minus strand). Cytogenetic location: 7p14.2.
Variant type: single nucleotide variant.
Coding change: c.481C>T on transcript NM_001077653.2 (MANE Select); coding-DNA position 481, C replaced by T.
Protein change: p.Arg161Cys; replaces arginine 161 with cysteine.
Molecular consequence: missense variant.
Genome position (GRCh38, 1-based): chr7:35,248,741, G>A on the plus strand (C>T on the coding strand, the complement: TBX20 is on the minus strand). VCF-style: chr7-35248741-G-A. GRCh37 (hg19) VCF-style: chr7-35288353-G-A.
Other names: c.481C>T, p.Arg161Cys (NM_001166220.1); short protein forms R161C.
Identifiers: ClinVar variation 1325972 (VCV001325972.7), dbSNP rs2128715943, ClinGen allele CA367264648.